The following is an entry in ClinVar:

NM_012433.4(SF3B1):c.196-4G>T

Gene: SF3B1 (splicing factor 3b subunit 1; minus strand). Cytogenetic location: 2q33.1.
Variant type: single nucleotide variant.
Coding change: c.196-4G>T on transcript NM_012433.4 (MANE Select); 4 bases into the intron before coding-DNA position 196, G replaced by T.
Molecular consequence: intron variant.
Genome position (GRCh38, 1-based): chr2:197,421,137, C>A on the plus strand (G>T on the coding strand, the complement: SF3B1 is on the minus strand). VCF-style: chr2-197421137-C-A. GRCh37 (hg19) VCF-style: chr2-198285861-C-A.
Other names: c.196-4G>T (NM_001005526.2, NM_001308824.1).
Identifiers: ClinVar variation 3772047 (VCV003772047.13).
Genomic context (GRCh38, chr2:197,421,137, plus strand): 5'-ATATCCTGGCTTCTTCTGACCAAGCAAACTCGTAGATGATGAATAGTCATCGTCATCCTG[C>A]AATGAAAACCCCCCAAAAAGCCATAAACAAAATGTTAGAACTTAAAAATTAGAAAGAATA-3'

ClinVar aggregate classification (germline): Likely benign (1 of 4 stars; one submission).

gnomAD v4.1: 2 of 1,585,986 alleles (0.00013%); highest among the groups gnomAD compares: Non-Finnish European, 0.00017%; no homozygotes.

Submission:

CeGaT Center for Human Genetics Tuebingen
Classification: Likely benign. Last evaluated: 2024-12-01. Review status: criteria provided, single submitter. Criteria: CeGaT Center For Human Genetics Tuebingen Variant Classification Criteria Version 2. Collection method: clinical testing. Allele origin: germline. Affected: yes. Observed: 1 variant allele.
Comment: SF3B1: BP4